The following is an entry in ClinVar:

NM_005735.4(ACTR1B):c.1006C>G (p.Arg336Gly)

Gene: ACTR1B (actin related protein 1B; minus strand). Cytogenetic location: 2q11.2.
Variant type: single nucleotide variant.
Coding change: c.1006C>G on transcript NM_005735.4 (MANE Select); coding-DNA position 1006, C replaced by G.
Protein change: p.Arg336Gly; replaces arginine 336 with glycine.
Molecular consequence: missense variant.
Genome position (GRCh38, 1-based): chr2:97,657,174, G>C on the plus strand (C>G on the coding strand, the complement: ACTR1B is on the minus strand). VCF-style: chr2-97657174-G-C. GRCh37 (hg19) VCF-style: chr2-98273637-G-C.
Other names: NM_005735.4:c.1006C>G; short protein forms R336G.
Identifiers: ClinVar variation 3024399 (VCV003024399.1), dbSNP rs1398677547, ClinGen allele CA347780658.

ClinVar aggregate classification (germline): Uncertain significance (1 of 4 stars; one submission).

Conditions:
Duane retraction syndrome. Also called: Duane Syndrome; Duane's syndrome; RETRACTION SYNDROME; Duane anomaly. Identifiers: Orphanet 233, MedGen C0013261, MONDO:0007473, HP:0009921.

gnomAD v4.1: 1 of 1,613,606 alleles (0.000062%); highest among the groups gnomAD compares: Non-Finnish European, 0.000085%; no homozygotes.

Submission:

Broad Center for Mendelian Genomics, Broad Institute of MIT and Harvard
Classification: Uncertain significance for Duane retraction syndrome. Last evaluated: 2024-02-26. Review status: criteria provided, single submitter. Criteria: ACMG Guidelines, 2015. Collection method: curation. Allele origin: germline. Inheritance: Autosomal dominant inheritance.
Comment: While this gene is still lacking sufficient evidence to establish a gene-disease association, we believe this is a possible novel gene candidate for DRS. Given the limited information about this gene-disease relationship, the significance of the p.Arg336Gly variant is uncertain. If you have any additional information about functional evidence or other individuals with this phenotype that also have variants in ACTR1B we encourage you to reach out to the Engle Lab.